The following is an entry in ClinVar:

NM_000070.3(CAPN3):c.1390C>G (p.Leu464Val)

Genes: CAPN3 (calpain 3; plus strand), LOC130056921 (ATAC-STARR-seq lymphoblastoid active region 9300; plus strand). Cytogenetic location: 15q15.1.
Variant type: single nucleotide variant.
Coding change: c.1390C>G on transcript NM_000070.3 (MANE Select); coding-DNA position 1390, C replaced by G.
Protein change: p.Leu464Val; replaces leucine 464 with valine.
Molecular consequence: missense variant.
Genome position (GRCh38, 1-based): chr15:42,401,676, C>G. VCF-style: chr15-42401676-C-G. GRCh37 (hg19) VCF-style: chr15-42693874-C-G.
Other names: c.1390C>G, p.Leu464Val (NM_024344.2); c.1246C>G, p.Leu416Val (NM_173087.2); short protein forms L416V, L464V.
Identifiers: ClinVar variation 3604169 (VCV003604169.3).
Genomic context (GRCh38, chr15:42,401,676, plus strand): 5'-GCGTGCTTCCTTTCTGGGGGTGCAGATACTTTCTGGACCAACCCTCAGTACCGTCTGAAG[C>G]TCCTGGAGGAGGACGATGACCCTGATGACTCGGAGGTGATTTGCAGCTTCCTGGTGGCCC-3'
Protein context (NP_000061.1, residues 454-474): FWTNPQYRLK[Leu464Val]LEEDDDPDDS

ClinVar aggregate classification (germline): Uncertain significance. Review status: criteria provided, multiple submitters, no conflicts (2 of 4 stars). 2 submissions from 2 submitters: Uncertain significance (2). Last evaluated 2024-12-11.

Conditions:
Autosomal recessive limb-girdle muscular dystrophy type 2A (LGMDR1). Also called: Limb-girdle muscular dystrophy, type 2A; Calpainopathy; Muscular dystrophy, limb-girdle, type 2A, Amish; LEYDEN-MOEBIUS MUSCULAR DYSTROPHY; MUSCULAR DYSTROPHY, PELVOFEMORAL. Identifiers: Orphanet 267, MedGen C1869123, MONDO:0009675, OMIM 253600. Disease mechanism: loss of function.

gnomAD v4.1: 1 of 1,614,186 alleles (0.000062%); highest among the groups gnomAD compares: Non-Finnish European, 0.000085%; no homozygotes.

Submissions (2):

Labcorp Genetics (formerly Invitae), Labcorp
Classification: Uncertain significance for Autosomal recessive limb-girdle muscular dystrophy type 2A. Last evaluated: 2024-12-11. Review status: criteria provided, single submitter. Criteria: Invitae Variant Classification Sherloc (09022015). Collection method: clinical testing. Allele origin: germline.
Comment: This sequence change replaces leucine, which is neutral and non-polar, with valine, which is neutral and non-polar, at codon 464 of the CAPN3 protein (p.Leu464Val). This variant is not present in population databases (gnomAD no frequency). This variant has not been reported in the literature in individuals affected with CAPN3-related conditions. Invitae Evidence Modeling of protein sequence and biophysical properties (such as structural, functional, and spatial information, amino acid conservation, physicochemical variation, residue mobility, and thermodynamic stability) indicates that this missense variant is not expected to disrupt CAPN3 protein function with a negative predictive value of 80%. In summary, the available evidence is currently insufficient to determine the role of this variant in disease. Therefore, it has been classified as a Variant of Uncertain Significance.

Revvity Omics, Revvity
Classification: Uncertain significance. Last evaluated: 2024-10-11. Review status: criteria provided, single submitter. Criteria: ACMG Guidelines, 2015. Collection method: clinical testing. Allele origin: germline.